The following is an entry in ClinVar:

ClinVar aggregate classification (germline): Uncertain significance. Review status: criteria provided, multiple submitters, no conflicts (2 of 4 stars). 2 submissions from 2 submitters: Uncertain significance (2). Last evaluated 2025-08-09.

Conditions:
Inborn genetic diseases. Identifiers: MedGen C0950123, MeSH D030342.

Allele frequency attached by ClinVar (database versions not stated): gnomAD exomes below 0.00001; gnomAD 0.00001; TOPMed 0.00001.
gnomAD v4.1: 18 of 1,611,532 alleles (0.0011%); highest among the groups gnomAD compares: East Asian, 0.011%; no homozygotes.

Submissions (2):

Ambry Genetics
Classification: Uncertain significance for Inborn genetic diseases. Last evaluated: 2025-08-09. Review status: criteria provided, single submitter. Criteria: Ambry Variant Classification Scheme 2023. Collection method: clinical testing. Allele origin: germline.

GeneDx
Classification: Uncertain significance. Last evaluated: 2022-04-08. Review status: criteria provided, single submitter. Criteria: GeneDx Variant Classification Process June 2021. Collection method: clinical testing. Allele origin: germline. Affected: yes.
Comment: Not observed at significant frequency in large population cohorts (gnomAD); In silico analysis supports that this missense variant does not alter protein structure/function; Has not been previously published as pathogenic or benign to our knowledge

NM_194248.3(OTOF):c.964A>T (p.Ile322Phe)

Gene: OTOF (otoferlin; minus strand). Cytogenetic location: 2p23.3.
Variant type: single nucleotide variant.
Coding change: c.964A>T on transcript NM_194248.3 (MANE Select); coding-DNA position 964, A replaced by T.
Protein change: p.Ile322Phe; replaces isoleucine 322 with phenylalanine.
Molecular consequence: missense variant.
Genome position (GRCh38, 1-based): chr2:26,489,292, T>A on the plus strand (A>T on the coding strand, the complement: OTOF is on the minus strand). VCF-style: chr2-26489292-T-A. GRCh37 (hg19) VCF-style: chr2-26712160-T-A.
Other names: c.964A>T, p.Ile322Phe (NM_001287489.2); c.964A>T (NM_194248.2); short protein forms I322F.
Identifiers: ClinVar variation 1710712 (VCV001710712.5), dbSNP rs1010169261, ClinGen allele CA44407860.